The following is an entry in ClinVar:

ClinVar aggregate classification (germline): Uncertain significance. Review status: criteria provided, multiple submitters, no conflicts (2 of 4 stars). 2 submissions from 2 submitters: Uncertain significance (2). Last evaluated 2026-07-14.

Conditions:
Juvenile polyposis syndrome (JPS). Identifiers: Orphanet 2929, MedGen C0345893, MONDO:0017380, OMIM 174900.
Hereditary cancer-predisposing syndrome. Also called: Hereditary Cancer Syndrome; Tumor predisposition; Hereditary neoplastic syndrome; Neoplastic Syndromes, Hereditary. Identifiers: Orphanet 140162, MedGen C0027672, MeSH D009386, MONDO:0015356.

Submissions (2):

Ambry Genetics
Classification: Uncertain significance for Hereditary cancer-predisposing syndrome. Last evaluated: 2026-07-14. Review status: criteria provided, single submitter. Criteria: Ambry Variant Classification Scheme 2023. Collection method: clinical testing. Allele origin: germline.
Comment: The p.L455S variant (also known as c.1364T>C), located in coding exon 10 of the BMPR1A gene, results from a T to C substitution at nucleotide position 1364. The leucine at codon 455 is replaced by serine, an amino acid with dissimilar properties. This amino acid position is highly conserved in available vertebrate species. In addition, this alteration is predicted to be deleterious by in silico analysis. Based on the available evidence, the clinical significance of this variant remains unclear.

Labcorp Genetics (formerly Invitae), Labcorp
Classification: Uncertain significance for Juvenile polyposis syndrome. Last evaluated: 2025-04-21. Review status: criteria provided, single submitter. Criteria: Invitae Variant Classification Sherloc (09022015). Collection method: clinical testing. Allele origin: germline.
Comment: This sequence change replaces leucine, which is neutral and non-polar, with serine, which is neutral and polar, at codon 455 of the BMPR1A protein (p.Leu455Ser). This variant is not present in population databases (gnomAD no frequency). This variant has not been reported in the literature in individuals affected with BMPR1A-related conditions. ClinVar contains an entry for this variant (Variation ID: 529940). Invitae Evidence Modeling incorporating data from in vitro experimental studies (internal data) indicates that this missense variant is not expected to disrupt BMPR1A function with a negative predictive value of 95%. In summary, the available evidence is currently insufficient to determine the role of this variant in disease. Therefore, it has been classified as a Variant of Uncertain Significance.

NM_004329.3(BMPR1A):c.1364T>C (p.Leu455Ser)

Gene: BMPR1A (bone morphogenetic protein receptor type 1A; plus strand). Cytogenetic location: 10q23.2.
Variant type: single nucleotide variant.
Coding change: c.1364T>C on transcript NM_004329.3 (MANE Select); coding-DNA position 1364, T replaced by C.
Protein change: p.Leu455Ser; replaces leucine 455 with serine.
Molecular consequence: missense variant.
Genome position (GRCh38, 1-based): chr10:86,923,397, T>C. VCF-style: chr10-86923397-T-C. GRCh37 (hg19) VCF-style: chr10-88683154-T-C.
Other names: short protein forms L455S.
Identifiers: ClinVar variation 529940 (VCV000529940.14), dbSNP rs1554891572, ClinGen allele CA377462708.
Genomic context (GRCh38, chr10:86,923,397, plus strand): 5'-CAACCATTTTTGTGCCCATGTTTTCTCATTCCCTTATAGGGATCGTGGAAGAATACCAAT[T>C]GCCATATTACAACATGGTACCGAGTGATCCGTCATACGAAGATATGCGTGAGGTTGTGTG-3'
Protein context (NP_004320.2, residues 445-465): ITGGIVEEYQ[Leu455Ser]PYYNMVPSDP